The following is an entry in ClinVar:

ClinVar aggregate classification (germline): Uncertain significance (1 of 4 stars; one submission).

Conditions:
UCP3-related disorder. Also called: UCP3-related condition.

Submission:

PreventionGenetics, part of Exact Sciences
Classification: Uncertain significance for UCP3-related condition. Last evaluated: 2026-05-24. Review status: criteria provided, single submitter. Criteria: ACMG Guidelines, 2015. Collection method: clinical testing. Allele origin: germline.
Comment: The UCP3 c.851G>A variant is predicted to result in the amino acid substitution p.Gly284Glu. To our knowledge, this variant has not been reported in the literature or in a large population database (gnomAD), indicating this variant is rare. At this time, the clinical significance of this variant is uncertain due to the absence of conclusive functional and genetic evidence.

NM_003356.4(UCP3):c.851G>A (p.Gly284Glu)

Gene: UCP3 (uncoupling protein 3; minus strand). Cytogenetic location: 11q13.4.
Variant type: single nucleotide variant.
Coding change: c.851G>A on transcript NM_003356.4 (MANE Select); coding-DNA position 851, G replaced by A.
Protein change: p.Gly284Glu; replaces glycine 284 with glutamic acid.
Molecular consequence: missense variant.
Genome position (GRCh38, 1-based): chr11:74,001,500, C>T on the plus strand (G>A on the coding strand, the complement: UCP3 is on the minus strand). VCF-style: chr11-74001500-C-T. GRCh37 (hg19) VCF-style: chr11-73712545-C-T.
Other names: short protein forms G284E.
Identifiers: ClinVar variation 4993052 (VCV004993052.1).